The following is an entry in ClinVar:

NM_001035.3(RYR2):c.9221A>C (p.Asn3074Thr)

Gene: RYR2 (ryanodine receptor 2; plus strand). Cytogenetic location: 1q43.
Variant type: single nucleotide variant.
Coding change: c.9221A>C on transcript NM_001035.3 (MANE Select); coding-DNA position 9221, A replaced by C.
Protein change: p.Asn3074Thr; replaces asparagine 3074 with threonine.
Molecular consequence: missense variant.
Genome position (GRCh38, 1-based): chr1:237,700,321, A>C. VCF-style: chr1-237700321-A-C. GRCh37 (hg19) VCF-style: chr1-237863621-A-C.
Other names: short protein forms N3074T.
Identifiers: ClinVar variation 2888452 (VCV002888452.3), dbSNP rs2547364878, ClinGen allele CA345405723.

ClinVar aggregate classification (germline): Uncertain significance (1 of 4 stars; one submission).

Conditions:
Catecholaminergic polymorphic ventricular tachycardia 1. Also called: RYR2-Related Catecholaminergic Polymorphic Ventricular Tachycardia; VENTRICULAR TACHYCARDIA, CATECHOLAMINERGIC POLYMORPHIC, 1, WITH OR WITHOUT ATRIAL DYSFUNCTION AND/OR DILATED CARDIOMYOPATHY; VENTRICULAR TACHYCARDIA, STRESS-INDUCED POLYMORPHIC 1. Identifiers: Orphanet 3286, MedGen C1631597, MONDO:0011484, OMIM 604772.

Allele frequency attached by ClinVar (database versions not stated): gnomAD exomes below 0.00001.
gnomAD v4.1: 1 of 1,596,212 alleles (0.000063%); highest among the groups gnomAD compares: South Asian, 0.0011%; no homozygotes.

Submission:

Labcorp Genetics (formerly Invitae), Labcorp
Classification: Uncertain significance for Catecholaminergic polymorphic ventricular tachycardia 1. Last evaluated: 2023-09-18. Review status: criteria provided, single submitter. Criteria: Invitae Variant Classification Sherloc (09022015). Collection method: clinical testing. Allele origin: germline.
Comment: In summary, the available evidence is currently insufficient to determine the role of this variant in disease. Therefore, it has been classified as a Variant of Uncertain Significance. This variant is not present in population databases (gnomAD no frequency). This variant has not been reported in the literature in individuals affected with RYR2-related conditions. Advanced modeling of protein sequence and biophysical properties (such as structural, functional, and spatial information, amino acid conservation, physicochemical variation, residue mobility, and thermodynamic stability) performed at Invitae indicates that this missense variant is expected to disrupt RYR2 protein function. This sequence change replaces asparagine, which is neutral and polar, with threonine, which is neutral and polar, at codon 3074 of the RYR2 protein (p.Asn3074Thr).